The following is an entry in ClinVar:

ClinVar aggregate classification (germline): Uncertain significance (1 of 4 stars; one submission).

Allele frequency attached by ClinVar (database versions not stated): gnomAD exomes below 0.00001.
gnomAD v4.1: 3 of 1,614,218 alleles (0.00019%); highest among the groups gnomAD compares: Non-Finnish European, 0.00025%; no homozygotes.

Submission:

Greenwood Genetic Center Diagnostic Laboratories, Greenwood Genetic Center
Classification: Uncertain significance. Last evaluated: 2021-03-24. Review status: criteria provided, single submitter. Criteria: ACMG Guidelines, 2015. Collection method: clinical testing. Allele origin: germline. Affected: yes.
Comment: PM2

NM_001282531.3(ADNP):c.650A>G (p.Glu217Gly)

Gene: ADNP (activity dependent neuroprotector homeobox; minus strand). Cytogenetic location: 20q13.13.
Variant type: single nucleotide variant.
Coding change: c.650A>G on transcript NM_001282531.3 (MANE Select); coding-DNA position 650, A replaced by G.
Protein change: p.Glu217Gly; replaces glutamic acid 217 with glycine.
Molecular consequence: missense variant.
Genome position (GRCh38, 1-based): chr20:50,894,064, T>C on the plus strand (A>G on the coding strand, the complement: ADNP is on the minus strand). VCF-style: chr20-50894064-T-C. GRCh37 (hg19) VCF-style: chr20-49510601-T-C.
Other names: c.650A>G, p.Glu217Gly (NM_001282532.2, NM_001347511.2, NM_015339.5 and 1 more transcripts); short protein forms E217G.
Identifiers: ClinVar variation 1331626 (VCV001331626.4), dbSNP rs2122761819, ClinGen allele CA408976930.